The following is an entry in ClinVar:

NM_005618.4(DLL1):c.1877_1885del (p.Ser626_Asp628del)

Gene: DLL1 (delta like canonical Notch ligand 1; minus strand). Cytogenetic location: 6q27.
Variant type: Deletion.
Coding change: c.1877_1885del on transcript NM_005618.4 (MANE Select); coding-DNA positions 1877 to 1885, 9 bases deleted (GCGCCGACA; older notation c.1877_1885delGCGCCGACA).
Protein change: p.Ser626_Asp628del.
Molecular consequence: inframe deletion.
Genome position (GRCh38, 1-based): chr6:170,283,394-170,283,402, TGTCGGCGC deleted on the plus strand (GCGCCGACA on the coding strand, the reverse complement: DLL1 is on the minus strand); deleting any 9 consecutive bases within chr6:170,283,394-170,283,405 gives the same sequence; the c. name uses the placement nearest the transcript's 3' end. VCF-style (leftmost placement, unchanged base first): chr6-170283393-TTGTCGGCGC-T. GRCh37 (hg19) VCF-style: chr6-170592481-TTGTCGGCGC-T.
Identifiers: ClinVar variation 2579014 (VCV002579014.25), dbSNP rs986380238, ClinGen allele CA152189975.

ClinVar aggregate classification (germline): Likely benign (1 of 4 stars; one submission).

Submission:

CeGaT Center for Human Genetics Tuebingen
Classification: Likely benign. Last evaluated: 2026-02-01. Review status: criteria provided, single submitter. Criteria: CeGaT Center For Human Genetics Tuebingen Variant Classification Criteria Version 2. Collection method: clinical testing. Allele origin: germline. Affected: yes. Observed: 3 variant alleles.
Comment: DLL1: PM2, BS2